The following is an entry in ClinVar:

ClinVar aggregate classification (germline): Uncertain significance (1 of 4 stars; one submission).

Conditions:
Glycogen storage disease, type VII (GSD7). Also called: GSD VII; MUSCLE PHOSPHOFRUCTOKINASE DEFICIENCY; PFKM DEFICIENCY; TARUI DISEASE. Identifiers: Orphanet 371, MedGen C0017926, MONDO:0009295, OMIM 232800.

gnomAD v4.1: 1 of 1,614,106 alleles (0.000062%); highest among the groups gnomAD compares: East Asian, 0.0022%; no homozygotes.

Submission:

Labcorp Genetics (formerly Invitae), Labcorp
Classification: Uncertain significance for Glycogen storage disease, type VII. Last evaluated: 2025-09-15. Review status: criteria provided, single submitter. Criteria: Invitae Variant Classification Sherloc (09022015). Collection method: clinical testing. Allele origin: germline.
Comment: This sequence change replaces leucine, which is neutral and non-polar, with proline, which is neutral and non-polar, at codon 743 of the PFKM protein (p.Leu743Pro). This variant is not present in population databases (gnomAD no frequency). This variant has not been reported in the literature in individuals affected with PFKM-related conditions. Invitae Evidence Modeling of protein sequence and biophysical properties (such as structural, functional, and spatial information, amino acid conservation, physicochemical variation, residue mobility, and thermodynamic stability) indicates that this missense variant is expected to disrupt PFKM protein function with a positive predictive value of 95%. In summary, the available evidence is currently insufficient to determine the role of this variant in disease. Therefore, it has been classified as a Variant of Uncertain Significance.

NM_000289.6(PFKM):c.2228T>C (p.Leu743Pro)

Gene: PFKM (phosphofructokinase, muscle; plus strand). Cytogenetic location: 12q13.11.
Variant type: single nucleotide variant.
Coding change: c.2228T>C on transcript NM_000289.6 (MANE Select); coding-DNA position 2228, T replaced by C.
Protein change: p.Leu743Pro; replaces leucine 743 with proline.
Molecular consequence: missense variant. On other transcripts: non-coding transcript variant (6).
Genome position (GRCh38, 1-based): chr12:48,145,593, T>C. VCF-style: chr12-48145593-T-C. GRCh37 (hg19) VCF-style: chr12-48539376-T-C.
Other names: c.2441T>C, p.Leu814Pro (NM_001166686.2, NM_001354737.1, NM_001354738.1 and 1 more transcripts); c.2228T>C, p.Leu743Pro (NM_001166687.2, NM_001166688.2, NM_001354742.2 and 2 more transcripts); c.2537T>C, p.Leu846Pro (NM_001354735.1, NM_001354736.1); c.2372T>C, p.Leu791Pro (NM_001354740.1); c.2252T>C, p.Leu751Pro (NM_001354741.2); c.2141T>C, p.Leu714Pro (NM_001354745.2); c.2102T>C, p.Leu701Pro (NM_001354746.2); c.2078T>C, p.Leu693Pro (NM_001354747.2, NM_001354748.2); and 2 more; short protein forms L712P, L743P, L783P, L791P, L714P, L751P, L814P, L846P.
Identifiers: ClinVar variation 4780551 (VCV004780551.1).
Genomic context (GRCh38, chr12:48,145,593, plus strand): 5'-TTATATCATCATCTACCTCATTCCTCTGTAGGCATCGAATCCCCAAGGAACAGTGGTGGC[T>C]GAAACTGAGGCCCATCCTCAAAATCCTAGCCAAGTACGAGATTGACTTGGACACTTCAGA-3'
Protein context (NP_000280.1, residues 733-753): EHRIPKEQWW[Leu743Pro]KLRPILKILA